The following is an entry in ClinVar:

NM_002500.5(NEUROD1):c.750C>A (p.Ser250Arg)

Gene: NEUROD1 (neuronal differentiation 1; minus strand). Cytogenetic location: 2q31.3.
Variant type: single nucleotide variant.
Coding change: c.750C>A on transcript NM_002500.5 (MANE Select); coding-DNA position 750, C replaced by A.
Protein change: p.Ser250Arg; replaces serine 250 with arginine.
Molecular consequence: missense variant.
Genome position (GRCh38, 1-based): chr2:181,678,111, G>T on the plus strand (C>A on the coding strand, the complement: NEUROD1 is on the minus strand). VCF-style: chr2-181678111-G-T. GRCh37 (hg19) VCF-style: chr2-182542838-G-T.
Other names: short protein forms S250R.
Identifiers: ClinVar variation 549508 (VCV000549508.17), dbSNP rs201293992, ClinGen allele CA2011069.

ClinVar aggregate classification (germline): Uncertain significance. Review status: criteria provided, multiple submitters, no conflicts (2 of 4 stars). 6 submissions from 6 submitters: Uncertain significance (6). Last evaluated 2026-06-26.

Conditions:
NEUROD1-related disorder. Also called: NEUROD1-related condition.
Monogenic diabetes. Identifiers: Orphanet 183625, MedGen C3888631, MONDO:0015967.
Maturity-onset diabetes of the young type 6 (MODY6). Identifiers: Orphanet 552, MedGen C1853371, MONDO:0011668, OMIM 606394.

Allele frequency attached by ClinVar (database versions not stated): ESP Exome Variant Server 0.00015; TOPMed 0.00018; 1000 Genomes Project 0.00020; gnomAD 0.00023; gnomAD exomes 0.00028; 1000 Genomes Project 30x 0.00031.
gnomAD v4.1: 440 of 1,614,226 alleles (0.027%); highest among the groups gnomAD compares: South Asian, 0.036%; no homozygotes.

Submissions (6):

PreventionGenetics, part of Exact Sciences
Classification: Uncertain significance for NEUROD1-related condition. Last evaluated: 2026-06-26. Review status: criteria provided, single submitter. Criteria: ACMG Guidelines, 2015. Collection method: clinical testing. Allele origin: germline.
Comment: The NEUROD1 c.750C>A variant is predicted to result in the amino acid substitution p.Ser250Arg. This variant has been reported in an individual with MODY (Komazec et al 2019. PubMed ID: 30259503). This variant is reported in 0.042% of alleles in individuals of South Asian descent in gnomAD. At this time, the clinical significance of this variant is uncertain due to the absence of conclusive functional and genetic evidence.

Labcorp Genetics (formerly Invitae), Labcorp
Classification: Uncertain significance. Last evaluated: 2025-12-24. Review status: criteria provided, single submitter. Criteria: Invitae Variant Classification Sherloc (09022015). Collection method: clinical testing. Allele origin: germline.
Comment: This sequence change replaces serine, which is neutral and polar, with arginine, which is basic and polar, at codon 250 of the NEUROD1 protein (p.Ser250Arg). This variant is present in population databases (rs201293992, gnomAD 0.04%). This missense change has been observed in individual(s) with autosomal dominant maturity onset diabetes of the young (PMID: 30259503). ClinVar contains an entry for this variant (Variation ID: 549508). Invitae Evidence Modeling of protein sequence and biophysical properties (such as structural, functional, and spatial information, amino acid conservation, physicochemical variation, residue mobility, and thermodynamic stability) indicates that this missense variant is not expected to disrupt NEUROD1 protein function with a negative predictive value of 80%. In summary, the available evidence is currently insufficient to determine the role of this variant in disease. Therefore, it has been classified as a Variant of Uncertain Significance.

Women's Health and Genetics/Laboratory Corporation of America, LabCorp
Classification: Uncertain significance. Last evaluated: 2025-05-20. Review status: criteria provided, single submitter. Criteria: LabCorp Variant Classification Summary - May 2015. Collection method: clinical testing. Allele origin: germline.
Comment: Variant summary: NEUROD1 c.750C>A (p.Ser250Arg) results in a non-conservative amino acid change in the encoded protein sequence. Algorithms developed to predict the effect of missense changes on protein structure and function are either unavailable or do not agree on the potential impact of this missense change. The variant allele was found at a frequency of 0.00016 in 251464 control chromosomes. This frequency is not significantly higher than estimated for a pathogenic variant in NEUROD1 causing Permanent Neonatal Diabetes And Neurological Abnormalities, allowing no conclusion about variant significance. c.750C>A has been observed in individual(s) suspected with Monogenic Diabetes (Komazec_2019). These report(s) do not provide unequivocal conclusions about association of the variant with Permanent Neonatal Diabetes And Neurological Abnormalities. To our knowledge, no experimental evidence demonstrating an impact on protein function has been reported. The following publication has been ascertained in the context of this evaluation (PMID: 30259503). ClinVar contains an entry for this variant (Variation ID: 549508). Based on the evidence outlined above, the variant was classified as uncertain significance.

Illumina Laboratory Services, Illumina
Classification: Uncertain significance for Maturity-onset diabetes of the young type 6. Last evaluated: 2018-01-13. Review status: criteria provided, single submitter. Criteria: ICSL Variant Classification Criteria 13 December 2019. Collection method: clinical testing. Allele origin: germline.

Personalized Diabetes Medicine Program, University of Maryland School of Medicine
Classification: Uncertain significance for Monogenic diabetes. Last evaluated: 2017-07-14. Review status: criteria provided, single submitter. Criteria: ACMG Guidelines, 2015. Collection method: research. Allele origin: unknown. Observed: 1 variant allele, 1 heterozygote. Study: Personalized Diabetes Medicine Program.
Comment: ACMG Criteria:BP4 (9 predictors)

Breakthrough Genomics
Classification: Uncertain significance. Review status: criteria provided, single submitter. Criteria: ACMG Guidelines, 2015. Collection method: not provided. Allele origin: germline. Inheritance: Autosomal dominant inheritance. Affected: yes.

Literature cited by the submitters: PubMed 30259503 (cited by Labcorp Genetics (formerly Invitae), Labcorp and Women's Health and Genetics/Laboratory Corporation of America, LabCorp).